The following is an entry in ClinVar:

NM_001127464.1:c.7417G>A

Gene: ZNF469 (zinc finger protein 469; plus strand).
Variant type: single nucleotide variant.
Identifiers: ClinVar variation 4845019 (VCV004845019.1).

ClinVar aggregate classification (germline): Uncertain significance (1 of 4 stars; one submission).

Conditions:
Cardiovascular phenotype. Identifiers: MedGen CN230736.

Submission:

Ambry Genetics
Classification: Uncertain significance for Cardiovascular phenotype. Last evaluated: 2026-02-14. Review status: criteria provided, single submitter. Criteria: Ambry Variant Classification Scheme 2023. Collection method: clinical testing. Allele origin: germline.
Comment: The p.A2473T variant (also known as c.7417G>A), located in coding exon 2 of the ZNF469 gene, results from a G to A substitution at nucleotide position 7417. The alanine at codon 2473 is replaced by threonine, an amino acid with similar properties. This amino acid position is conserved. In addition, this alteration is predicted to be tolerated by in silico analysis. Based on the available evidence, the clinical significance of this variant remains unclear.